The following is an entry in ClinVar:

ClinVar aggregate classification (germline): Conflicting classifications of pathogenicity. Review status: criteria provided, conflicting classifications (1 of 4 stars). 2 submissions from 2 submitters: Uncertain significance (1); Likely benign (1). Last evaluated 2025-03-28.

Conditions:
Peutz-Jeghers syndrome (PJS). Also called: Peutz-Jeghers polyposis; Periorificial lentiginosis syndrome; POLYPOSIS, HAMARTOMATOUS INTESTINAL; POLYPS-AND-SPOTS SYNDROME. Identifiers: Orphanet 2869, MedGen C0031269, MeSH D010580, MONDO:0008280, OMIM 175200.

Submissions (2):

Myriad Genetics, Inc.
Classification: Likely benign for Peutz-Jeghers syndrome. Last evaluated: 2025-03-28. Review status: criteria provided, single submitter. Criteria: Myriad Autosomal Dominant, Autosomal Recessive and X-Linked Classification Criteria (2023). Collection method: clinical testing. Allele origin: unknown.
Comment: This variant is considered likely benign. This variant is intronic and is not expected to impact mRNA splicing.

Labcorp Genetics (formerly Invitae), Labcorp
Classification: Uncertain significance for Peutz-Jeghers syndrome. Last evaluated: 2023-12-14. Review status: criteria provided, single submitter. Criteria: Invitae Variant Classification Sherloc (09022015). Collection method: clinical testing. Allele origin: germline.
Comment: This sequence change falls in intron 8 of the STK11 gene. It does not directly change the encoded amino acid sequence of the STK11 protein. Information on the frequency of this variant in the gnomAD database is not available, as this variant may be reported differently in the database. This variant has not been reported in the literature in individuals affected with STK11-related conditions. ClinVar contains an entry for this variant (Variation ID: 2144164). Experimental studies and prediction algorithms are not available or were not evaluated, and the effect of this variant on mRNA splicing is currently unknown. In summary, the available evidence is currently insufficient to determine the role of this variant in disease. Therefore, it has been classified as a Variant of Uncertain Significance.

NM_000455.5(STK11):c.1109-16_1109-15delinsTG

Gene: STK11 (serine/threonine kinase 11; plus strand). Cytogenetic location: 19p13.3.
Variant type: Indel.
Coding change: c.1109-16_1109-15delinsTG on transcript NM_000455.5 (MANE Select); 16 bases into the intron before coding-DNA position 1109 through 15 bases into the intron before coding-DNA position 1109, GC replaced by TG.
Molecular consequence: intron variant.
Genome position (GRCh38, 1-based): chr19:1,226,438-1,226,439, GC replaced by TG. VCF-style: chr19-1226438-GC-TG. GRCh37 (hg19) VCF-style: chr19-1226437-GC-TG.
Identifiers: ClinVar variation 2144164 (VCV002144164.5), dbSNP rs2512954543, ClinGen allele CA2580096020.